The following is an entry in ClinVar:

ClinVar aggregate classification (germline): Uncertain significance (1 of 4 stars; one submission).

Conditions:
Costello syndrome (CSTLO). Also called: FACIOCUTANEOSKELETAL SYNDROME; HRAS-Related Costello Syndrome; FCS SYNDROME. Identifiers: Orphanet 3071, MedGen C0587248, MONDO:0009026, OMIM 218040.

Allele frequency attached by ClinVar (database versions not stated): TOPMed 0.00003.
gnomAD v4.1: 7 of 1,613,378 alleles (0.00043%); highest among the groups gnomAD compares: Admixed American, 0.0033%; no homozygotes.

Submission:

Labcorp Genetics (formerly Invitae), Labcorp
Classification: Uncertain significance for Costello syndrome. Last evaluated: 2024-08-28. Review status: criteria provided, single submitter. Criteria: Invitae Variant Classification Sherloc (09022015). Collection method: clinical testing. Allele origin: germline.
Comment: This sequence change replaces glutamic acid, which is acidic and polar, with lysine, which is basic and polar, at codon 143 of the HRAS protein (p.Glu143Lys). This variant is present in population databases (no rsID available, gnomAD 0.006%). This variant has not been reported in the literature in individuals affected with HRAS-related conditions. ClinVar contains an entry for this variant (Variation ID: 1021116). Invitae Evidence Modeling of protein sequence and biophysical properties (such as structural, functional, and spatial information, amino acid conservation, physicochemical variation, residue mobility, and thermodynamic stability) indicates that this missense variant is expected to disrupt HRAS protein function with a positive predictive value of 95%. In summary, the available evidence is currently insufficient to determine the role of this variant in disease. Therefore, it has been classified as a Variant of Uncertain Significance.

NM_005343.4(HRAS):c.427G>A (p.Glu143Lys)

Genes: HRAS (HRas proto-oncogene, GTPase; minus strand), LRRC56 (leucine rich repeat containing 56; plus strand). Cytogenetic location: 11p15.5.
Variant type: single nucleotide variant.
Coding change: c.427G>A on transcript NM_005343.4 (MANE Select); coding-DNA position 427, G replaced by A.
Protein change: p.Glu143Lys; replaces glutamic acid 143 with lysine.
Molecular consequence: missense variant. On other transcripts: synonymous variant (1).
Genome position (GRCh38, 1-based): chr11:533,476, C>T on the plus strand (G>A on the coding strand, the complement: HRAS is on the minus strand). VCF-style: chr11-533476-C-T. GRCh37 (hg19) VCF-style: chr11-533476-C-T.
Other names: c.427G>A, p.Glu143Lys (NM_001130442.3, NM_176795.5); c.108G>A, p.Ser36= (NM_001318054.2); short protein forms E143K.
Identifiers: ClinVar variation 1021116 (VCV001021116.9), dbSNP rs909222512, ClinGen allele CA216882633.